The following is an entry in ClinVar:

NM_020832.3(ZNF687):c.2845G>C (p.Gly949Arg)

Gene: ZNF687 (zinc finger protein 687; plus strand). Cytogenetic location: 1q21.3.
Variant type: single nucleotide variant.
Coding change: c.2845G>C on transcript NM_020832.3 (MANE Select); coding-DNA position 2845, G replaced by C.
Protein change: p.Gly949Arg; replaces glycine 949 with arginine.
Molecular consequence: missense variant.
Genome position (GRCh38, 1-based): chr1:151,289,888, G>C. VCF-style: chr1-151289888-G-C. GRCh37 (hg19) VCF-style: chr1-151262364-G-C.
Other names: c.2845G>C, p.Gly949Arg (NM_001304763.2, NM_001304764.2); short protein forms G949R.
Identifiers: ClinVar variation 4803502 (VCV004803502.1).
Genomic context (GRCh38, chr1:151,289,888, plus strand): 5'-GAGGAAGTACCCAGCTCCCCTGAGCCCCCCCGTCCAGCCAAACGGCCTCGGCGGGAACTA[G>C]GGAGCAAAGGCCTCAAGGGTGGGGGTGGGGGGCCTGGAGGCTGGACCTGTGGCCTGTGTC-3'
Protein context (NP_065883.1, residues 939-959): RPAKRPRREL[Gly949Arg]SKGLKGGGGG

ClinVar aggregate classification (germline): Uncertain significance (1 of 4 stars; one submission).

Submission:

Labcorp Genetics (formerly Invitae), Labcorp
Classification: Uncertain significance. Last evaluated: 2025-05-15. Review status: criteria provided, single submitter. Criteria: Invitae Variant Classification Sherloc (09022015). Collection method: clinical testing. Allele origin: germline.
Comment: This sequence change replaces glycine, which is neutral and non-polar, with arginine, which is basic and polar, at codon 949 of the ZNF687 protein (p.Gly949Arg). This variant is not present in population databases (gnomAD no frequency). This variant has not been reported in the literature in individuals affected with ZNF687-related conditions. An algorithm developed to predict the effect of missense changes on protein structure and function (PolyPhen-2) suggests that this variant is likely to be disruptive. In summary, the available evidence is currently insufficient to determine the role of this variant in disease. Therefore, it has been classified as a Variant of Uncertain Significance.